The following is an entry in ClinVar:

NM_017950.4(CCDC40):c.677-8C>T

Gene: CCDC40 (coiled-coil domain 40 molecular ruler complex subunit; plus strand). Cytogenetic location: 17q25.3.
Variant type: single nucleotide variant.
Coding change: c.677-8C>T on transcript NM_017950.4 (MANE Select); 8 bases into the intron before coding-DNA position 677, C replaced by T.
Molecular consequence: intron variant.
Genome position (GRCh38, 1-based): chr17:80,048,575, C>T. VCF-style: chr17-80048575-C-T. GRCh37 (hg19) VCF-style: chr17-78022374-C-T.
Other names: c.677-8C>T (NM_001243342.2, NM_001330508.2).
Identifiers: ClinVar variation 506252 (VCV000506252.9), dbSNP rs762961824, ClinGen allele CA8813540.
Genomic context (GRCh38, chr17:80,048,575, plus strand): 5'-CCCCAGAATAGAATCACTGAGGCTTCTCTCCAGCAGCTCCTCAATGGTGTCGCTGTCTCT[C>T]CCCCCAGTGATCCCCCCAGGGGTGCCCGATGCCCACCCCAGGGAAGGAGACCTGCCAGTG-3'

ClinVar aggregate classification (germline): Likely benign. Review status: criteria provided, multiple submitters, no conflicts (2 of 4 stars). 2 submissions from 2 submitters: Likely benign (2). Last evaluated 2025-12-15.

Conditions:
Primary ciliary dyskinesia. Also called: Ciliary dyskinesia. Identifiers: Orphanet 244, MedGen C0008780, MONDO:0016575, HP:0012265.

Allele frequency attached by ClinVar (database versions not stated): ExAC 0.00002; gnomAD 0.00002 and 0.00003; gnomAD exomes 0.00002; TOPMed 0.00004.
gnomAD v4.1: 34 of 1,609,598 alleles (0.0021%); highest among the groups gnomAD compares: Admixed American, 0.013%; no homozygotes.

Submissions (2):

Labcorp Genetics (formerly Invitae), Labcorp
Classification: Likely benign for Primary ciliary dyskinesia. Last evaluated: 2025-12-15. Review status: criteria provided, single submitter. Criteria: Invitae Variant Classification Sherloc (09022015). Collection method: clinical testing. Allele origin: germline.

Laboratory for Molecular Medicine, Mass General Brigham Personalized Medicine
Classification: Likely benign. Last evaluated: 2017-12-15. Review status: criteria provided, single submitter. Criteria: LMM Criteria. Collection method: clinical testing. Allele origin: germline. Observed: 1 variant allele.
Comment: c.677-8C>T in intron 4 of CCDC40: This variant is not expected to have clinical significance because it is not located within the conserved splice consensus seq uence. It has been identified in 0.12%(4/33486) of Latino chromosomes by the Gen ome Aggregation Database (gnomAD; dbSNP rs7629 61824).